The following is an entry in ClinVar:

NM_000532.5(PCCB):c.831C>G (p.Tyr277Ter)

Gene: PCCB (propionyl-CoA carboxylase subunit beta; plus strand). Cytogenetic location: 3q22.3.
Variant type: single nucleotide variant.
Coding change: c.831C>G on transcript NM_000532.5 (MANE Select); coding-DNA position 831, C replaced by G.
Protein change: p.Tyr277Ter; replaces tyrosine 277 with a stop codon.
Molecular consequence: nonsense.
Genome position (GRCh38, 1-based): chr3:136,298,019, C>G. VCF-style: chr3-136298019-C-G. GRCh37 (hg19) VCF-style: chr3-136016861-C-G.
Other names: c.891C>G, p.Tyr297Ter (NM_001178014.2); short protein forms Y277*, Y297*.
Identifiers: ClinVar variation 5014177 (VCV005014177.1).
Genomic context (GRCh38, chr3:136,298,019, plus strand): 5'-CCACAGAGCTTTTGAAAATGATGTTGATGCCTTGTGTAATCTCCGGGATTTCTTCAACTA[C>G]CTGCCCCTGAGCAGTCAGGACCCGGCTCCCGTCCGTGAGTGCCACGATCCCAGGTGGGTT-3'

ClinVar aggregate classification (germline): Pathogenic (1 of 4 stars; one submission).

Conditions:
Propionic acidemia (PROP). Also called: GLYCINEMIA, KETOTIC; HYPERGLYCINEMIA WITH KETOACIDOSIS AND LEUKOPENIA; KETOTIC HYPERGLYCINEMIA. Identifiers: Orphanet 35, MedGen C0268579, MONDO:0011628, OMIM 606054, HP:0003571.

Submission:

Myriad Genetics, Inc.
Classification: Pathogenic for Propionic acidemia. Last evaluated: 2025-03-04. Review status: criteria provided, single submitter. Criteria: Myriad Autosomal Dominant, Autosomal Recessive and X-Linked Classification Criteria (2023). Collection method: clinical testing. Allele origin: unknown.
Comment: NM_000532.4(PCCB):c.831C>G(Y277*) is expected to be pathogenic in the context of PCCB-related propionic acidemia. This variant is predicted to lead to an abnormal or absent protein product due to the creation of a premature termination codon in PCCB, a gene where loss-of-function variants are known to be pathogenic. Please note: this variant was assessed in the context of healthy population screening.